The following is an entry in ClinVar:

ClinVar aggregate classification (germline): Uncertain significance. Review status: criteria provided, multiple submitters, no conflicts (2 of 4 stars). 2 submissions from 2 submitters: Uncertain significance (2). Last evaluated 2024-09-10.

Conditions:
Hypertrophic cardiomyopathy. Also called: HYPERTROPHIC MYOCARDIOPATHY. Identifiers: Orphanet 217569, MedGen C0007194, MeSH D002312, MONDO:0005045, HP:0001639.

Allele frequency attached by ClinVar (database versions not stated): gnomAD exomes below 0.00001.
gnomAD v4.1: 1 of 1,483,130 alleles (0.000067%); highest among the groups gnomAD compares: South Asian, 0.0012%; no homozygotes.

Submissions (2):

GeneDx
Classification: Uncertain significance. Last evaluated: 2024-09-10. Review status: criteria provided, single submitter. Criteria: GeneDx Variant Classification Process June 2021. Collection method: clinical testing. Allele origin: germline. Affected: yes.
Comment: Not observed at significant frequency in large population cohorts (gnomAD); Has not been previously published as pathogenic or benign to our knowledge; In silico analysis suggests this variant may impact gene splicing. In the absence of RNA/functional studies, the actual effect of this sequence change is unknown.

Labcorp Genetics (formerly Invitae), Labcorp
Classification: Uncertain significance for Hypertrophic cardiomyopathy. Last evaluated: 2024-04-22. Review status: criteria provided, single submitter. Criteria: Invitae Variant Classification Sherloc (09022015). Collection method: clinical testing. Allele origin: germline.
Comment: This sequence change falls in intron 2 of the MYBPC3 gene. It does not directly change the encoded amino acid sequence of the MYBPC3 protein. It affects a nucleotide within the consensus splice site. This variant is not present in population databases (gnomAD no frequency). This variant has not been reported in the literature in individuals affected with MYBPC3-related conditions. ClinVar contains an entry for this variant (Variation ID: 2183843). Variants that disrupt the consensus splice site are a relatively common cause of aberrant splicing (PMID: 17576681, 9536098). Algorithms developed to predict the effect of sequence changes on RNA splicing suggest that this variant is not likely to affect RNA splicing. In summary, the available evidence is currently insufficient to determine the role of this variant in disease. Therefore, it has been classified as a Variant of Uncertain Significance.

Literature cited by the submitters: PubMed 17576681 (cited by Labcorp Genetics (formerly Invitae), Labcorp); PubMed 9536098 (cited by Labcorp Genetics (formerly Invitae), Labcorp).

NM_000256.3(MYBPC3):c.292+5G>T

Gene: MYBPC3 (myosin binding protein C3; minus strand). Cytogenetic location: 11p11.2.
Variant type: single nucleotide variant.
Coding change: c.292+5G>T on transcript NM_000256.3 (MANE Select); 5 bases into the intron after coding-DNA position 292, G replaced by T.
Molecular consequence: intron variant.
Genome position (GRCh38, 1-based): chr11:47,351,234, C>A on the plus strand (G>T on the coding strand, the complement: MYBPC3 is on the minus strand). VCF-style: chr11-47351234-C-A. GRCh37 (hg19) VCF-style: chr11-47372785-C-A.
Identifiers: ClinVar variation 2183843 (VCV002183843.5), dbSNP rs2495785636, ClinGen allele CA2580084270.